The following is an entry in ClinVar:

ClinVar aggregate classification (germline): Uncertain significance (1 of 4 stars; one submission).

gnomAD v4.1: 3 of 1,594,236 alleles (0.00019%); highest among the groups gnomAD compares: Non-Finnish European, 0.00026%; no homozygotes.

Submission:

Labcorp Genetics (formerly Invitae), Labcorp
Classification: Uncertain significance. Last evaluated: 2024-08-29. Review status: criteria provided, single submitter. Criteria: Invitae Variant Classification Sherloc (09022015). Collection method: clinical testing. Allele origin: germline.
Comment: This sequence change replaces lysine, which is basic and polar, with glutamine, which is neutral and polar, at codon 1700 of the CACNA1D protein (p.Lys1700Gln). This variant is present in population databases (rs771850056, gnomAD 0.0009%). This variant has not been reported in the literature in individuals affected with CACNA1D-related conditions. An algorithm developed to predict the effect of missense changes on protein structure and function (PolyPhen-2) suggests that this variant is likely to be tolerated. In summary, the available evidence is currently insufficient to determine the role of this variant in disease. Therefore, it has been classified as a Variant of Uncertain Significance.

NM_001128840.3(CACNA1D):c.5038A>C (p.Lys1680Gln)

Gene: CACNA1D (calcium voltage-gated channel subunit alpha1 D; plus strand). Cytogenetic location: 3p21.1.
Variant type: single nucleotide variant.
Coding change: c.5038A>C on transcript NM_001128840.3 (MANE Select); coding-DNA position 5038, A replaced by C.
Protein change: p.Lys1680Gln; replaces lysine 1680 with glutamine.
Molecular consequence: missense variant.
Genome position (GRCh38, 1-based): chr3:53,800,363, A>C. VCF-style: chr3-53800363-A-C. GRCh37 (hg19) VCF-style: chr3-53834390-A-C.
Other names: c.5098A>C, p.Lys1700Gln (NM_000720.4); c.4993A>C, p.Lys1665Gln (NM_001128839.3); short protein forms K1680Q, K1665Q, K1700Q.
Identifiers: ClinVar variation 3663835 (VCV003663835.2).